The following is an entry in ClinVar:

ClinVar aggregate classification (germline): Uncertain significance (1 of 4 stars; one submission).

Conditions:
Fucosidosis. Also called: ALPHA-L-FUCOSIDASE DEFICIENCY. Identifiers: Orphanet 349, MedGen C0016788, MONDO:0009254, OMIM 230000.

Allele frequency attached by ClinVar (database versions not stated): TOPMed below 0.00001.
gnomAD v4.1: 11 of 1,614,046 alleles (0.00068%); highest among the groups gnomAD compares: Middle Eastern, 0.017%; no homozygotes.

Submission:

Labcorp Genetics (formerly Invitae), Labcorp
Classification: Uncertain significance for Fucosidosis. Last evaluated: 2024-02-05. Review status: criteria provided, single submitter. Criteria: Invitae Variant Classification Sherloc (09022015). Collection method: clinical testing. Allele origin: germline.
Comment: This sequence change replaces arginine, which is basic and polar, with histidine, which is basic and polar, at codon 307 of the FUCA1 protein (p.Arg307His). This variant is present in population databases (no rsID available, gnomAD 0.006%). This variant has not been reported in the literature in individuals affected with FUCA1-related conditions. ClinVar contains an entry for this variant (Variation ID: 2194068). Advanced modeling of protein sequence and biophysical properties (such as structural, functional, and spatial information, amino acid conservation, physicochemical variation, residue mobility, and thermodynamic stability) has been performed at Invitae for this missense variant, however the output from this modeling did not meet the statistical confidence thresholds required to predict the impact of this variant on FUCA1 protein function. In summary, the available evidence is currently insufficient to determine the role of this variant in disease. Therefore, it has been classified as a Variant of Uncertain Significance.

NM_000147.5(FUCA1):c.920G>A (p.Arg307His)

Gene: FUCA1 (alpha-L-fucosidase 1; minus strand). Cytogenetic location: 1p36.11.
Variant type: single nucleotide variant.
Coding change: c.920G>A on transcript NM_000147.5 (MANE Select); coding-DNA position 920, G replaced by A.
Protein change: p.Arg307His; replaces arginine 307 with histidine.
Molecular consequence: missense variant. On other transcripts: non-coding transcript variant (4).
Genome position (GRCh38, 1-based): chr1:23,854,409, C>T on the plus strand (G>A on the coding strand, the complement: FUCA1 is on the minus strand). VCF-style: chr1-23854409-C-T. GRCh37 (hg19) VCF-style: chr1-24180899-C-T.
Other names: short protein forms R307H.
Identifiers: ClinVar variation 2194068 (VCV002194068.2), dbSNP rs1005744482, ClinGen allele CA19327572.